The following is an entry in ClinVar:

ClinVar aggregate classification (germline): Likely benign (1 of 4 stars; one submission).

Submission:

Molecular Diagnostic Laboratory for Inherited Cardiovascular Disease, Montreal Heart Institute
Classification: Likely benign. Last evaluated: 2026-09-21. Review status: criteria provided, single submitter. Criteria: ACMG Guidelines, 2015. Collection method: clinical testing. Allele origin: germline. Affected: no.
Comment: BP7

NM_004415.4(DSP):c.7305G>A (p.Lys2435=)

Gene: DSP (desmoplakin; plus strand). Cytogenetic location: 6p24.3.
Variant type: single nucleotide variant.
Coding change: c.7305G>A on transcript NM_004415.4 (MANE Select); coding-DNA position 7305, G replaced by A.
Protein change: p.Lys2435=; no amino-acid change (lysine 2435 retained).
Molecular consequence: synonymous variant.
Genome position (GRCh38, 1-based): chr6:7,584,567, G>A. VCF-style: chr6-7584567-G-A. GRCh37 (hg19) VCF-style: chr6-7584800-G-A.
Other names: c.5508G>A, p.Lys1836= (NM_001008844.3); c.5976G>A, p.Lys1992= (NM_001319034.2).
Identifiers: ClinVar variation 5037855 (VCV005037855.1).
Genomic context (GRCh38, chr6:7,584,567, plus strand): 5'-TTTTGACCCCAACACTGAAGAAAATCTTACCTATCTGCAACTAAAAGAAAGATGCATTAA[G>A]GATGAGGAAACAGGGCTCTGTCTTCTGCCTCTGAAAGAAAAGAAGAAACAGGTGCAGACA-3'
Protein context (NP_004406.2, residues 2425-2445): TYLQLKERCI[Lys2435=]DEETGLCLLP